The following is an entry in ClinVar:

ClinVar aggregate classification (germline): Uncertain significance (1 of 4 stars; one submission).

Submission:

GeneDx
Classification: Uncertain significance. Last evaluated: 2025-08-05. Review status: criteria provided, single submitter. Criteria: GeneDx Variant Classification Process June 2021. Collection method: clinical testing. Allele origin: germline. Affected: yes.
Comment: Not observed at significant frequency in large population cohorts (gnomAD); In silico analysis supports that this missense variant has a deleterious effect on protein structure/function; Has not been previously published as pathogenic or benign to our knowledge; This substitution is predicted to be within the cytoplasmic loop between the first and second homologous domains

NM_001165963.4(SCN1A):c.2251T>C (p.Ser751Pro)

Gene: SCN1A (sodium voltage-gated channel alpha subunit 1; minus strand). Cytogenetic location: 2q24.3.
Variant type: single nucleotide variant.
Coding change: c.2251T>C on transcript NM_001165963.4 (MANE Select); coding-DNA position 2251, T replaced by C.
Protein change: p.Ser751Pro; replaces serine 751 with proline.
Molecular consequence: missense variant. On other transcripts: 5 prime UTR variant (1), non-coding transcript variant (1).
Genome position (GRCh38, 1-based): chr2:166,041,395, A>G on the plus strand (T>C on the coding strand, the complement: SCN1A is on the minus strand). VCF-style: chr2-166041395-A-G. GRCh37 (hg19) VCF-style: chr2-166897905-A-G.
Other names: c.2167T>C, p.Ser723Pro (NM_001165964.3, NM_001353957.2, NM_001353958.2); c.2251T>C, p.Ser751Pro (NM_001202435.3, NM_001353948.2); c.2218T>C, p.Ser740Pro (NM_001353949.2, NM_001353950.2, NM_001353951.2 and 2 more transcripts); c.2215T>C, p.Ser739Pro (NM_001353954.2, NM_001353955.2); c.2164T>C, p.Ser722Pro (NM_001353960.2); c.-208T>C (NM_001353961.2); short protein forms S722P, S723P, S739P, S740P, S751P.
Identifiers: ClinVar variation 4755906 (VCV004755906.1).